The following is an entry in ClinVar:

ClinVar aggregate classification (germline): Uncertain significance (1 of 4 stars; one submission).

Conditions:
Early-infantile DEE. Also called: Early infantile epileptic encephalopathy with suppression bursts; Early infantile epileptic encephalopathy; Ohtahara syndrome. Identifiers: Orphanet 1934, MedGen C0393706, MONDO:0800491.

Allele frequency attached by ClinVar (database versions not stated): gnomAD 0.00001; gnomAD exomes 0.00001; ExAC 0.00002.
gnomAD v4.1: 8 of 1,614,046 alleles (0.0005%); highest among the groups gnomAD compares: Admixed American, 0.0017%; no homozygotes.

Submission:

Labcorp Genetics (formerly Invitae), Labcorp
Classification: Uncertain significance for Early-infantile DEE. Last evaluated: 2024-10-16. Review status: criteria provided, single submitter. Criteria: Invitae Variant Classification Sherloc (09022015). Collection method: clinical testing. Allele origin: germline.
Comment: This sequence change falls in intron 2 of the ST3GAL3 gene. It does not directly change the encoded amino acid sequence of the ST3GAL3 protein. It affects a nucleotide within the consensus splice site. This variant is present in population databases (rs771733014, gnomAD 0.002%). This variant has not been reported in the literature in individuals affected with ST3GAL3-related conditions. ClinVar contains an entry for this variant (Variation ID: 1986240). Variants that disrupt the consensus splice site are a relatively common cause of aberrant splicing (PMID: 17576681, 9536098). Algorithms developed to predict the effect of sequence changes on RNA splicing suggest that this variant may disrupt the consensus splice site. In summary, the available evidence is currently insufficient to determine the role of this variant in disease. Therefore, it has been classified as a Variant of Uncertain Significance.

Literature cited by the submitters: PubMed 17576681; PubMed 9536098.

NM_006279.5(ST3GAL3):c.118+6T>C

Gene: ST3GAL3 (ST3 beta-galactoside alpha-2,3-sialyltransferase 3; plus strand). Cytogenetic location: 1p34.1.
Variant type: single nucleotide variant.
Coding change: c.118+6T>C on transcript NM_006279.5 (MANE Select); 6 bases into the intron after coding-DNA position 118, T replaced by C.
Molecular consequence: intron variant. On other transcripts: missense variant (6).
Genome position (GRCh38, 1-based): chr1:43,736,386, T>C. VCF-style: chr1-43736386-T-C. GRCh37 (hg19) VCF-style: chr1-44202057-T-C.
Other names: c.124T>C, p.Tyr42His (NM_001270463.3, NM_001270465.3, NM_001350619.2 and 3 more transcripts); c.118+6T>C (NM_174968.5, NM_001363573.2, NM_001350620.2 and 11 more transcripts); c.-336+6T>C (NM_001350621.2); short protein forms Y42H.
Identifiers: ClinVar variation 1986240 (VCV001986240.4), dbSNP rs771733014, ClinGen allele CA814480.
Genomic context (GRCh38, chr1:43,736,386, plus strand): 5'-TTTTTGTATTATTCTGCGTGGAAGCTACACTTACTCCAGTGGGAGGAGGACTCCAGTAAG[T>C]ATAGTCACTCTAGCTCACCCCAGGAGAAGCCTGTTGCAGGTCAGTTACTGGTTTTTCGTG-3'